The following is an entry in ClinVar:

ClinVar aggregate classification (germline): Likely pathogenic (1 of 4 stars; one submission).

Conditions:
Nephrotic syndrome. Identifiers: MedGen C0027726, MONDO:0005377, HP:0000100.

Allele frequency attached by ClinVar (database versions not stated): gnomAD 0.00001 and 0.00003; TOPMed 0.00002; gnomAD exomes 0.00003 and 0.00005; ExAC 0.00005.
gnomAD v4.1: 43 of 1,607,862 alleles (0.0027%); highest among the groups gnomAD compares: East Asian, 0.031%; no homozygotes.

Submission:

Precision Medicine Center, Zhengzhou University
Classification: Likely pathogenic for Nephrotic syndrome. Review status: criteria provided, single submitter. Criteria: ACMG Guidelines, 2015. Collection method: research. Allele origin: germline. Affected: yes.
Comment: PM1:Located in well-established functional domain PP1:Cosegregation with disease in multiple affected family members PP3:Multiple lines of computational evidence support a deleterious effect on the gene or gene product PP4:Patient's phenotype is highly specific for a disease PP5:Reputable source recently reports variant as pathogenic

NM_005560.6(LAMA5):c.5315C>T (p.Thr1772Met)

Gene: LAMA5 (laminin subunit alpha 5; minus strand). Cytogenetic location: 20q13.33.
Variant type: single nucleotide variant.
Coding change: c.5315C>T on transcript NM_005560.6 (MANE Select); coding-DNA position 5315, C replaced by T.
Protein change: p.Thr1772Met; replaces threonine 1772 with methionine.
Molecular consequence: missense variant.
Genome position (GRCh38, 1-based): chr20:62,325,530, G>A on the plus strand (C>T on the coding strand, the complement: LAMA5 is on the minus strand). VCF-style: chr20-62325530-G-A. GRCh37 (hg19) VCF-style: chr20-60900586-G-A.
Other names: short protein forms T1772M.
Identifiers: ClinVar variation 1077030 (VCV001077030.1), dbSNP rs531247856, ClinGen allele CA9942228.